The following is an entry in ClinVar:

ClinVar aggregate classification (germline): Conflicting classifications of pathogenicity. Review status: criteria provided, conflicting classifications (1 of 4 stars). 2 submissions from 2 submitters: Pathogenic (1); Uncertain significance (1). Last evaluated 2025-12-29.

Submissions (2):

Dasa
Classification: Uncertain significance. Last evaluated: 2025-12-29. Review status: criteria provided, single submitter. Criteria: DASA Assertion Criteria. Collection method: clinical testing. Allele origin: germline.
Comment: NM_002181.4(IHH):c.274A>C (p.Lys92Gln) is a missense variant that results in the substitution of lysine with glutamine. The affected residue or protein region has prior evidence supporting clinical relevance. This variant is absent from population databases. Computational prediction algorithms are consistent with a deleterious effect. The currently available literature and clinical evidence are not sufficient to establish a definitive association between this variant and the reported condition. Therefore, this variant is classified as a variant of uncertain significance.

Labcorp Genetics (formerly Invitae), Labcorp
Classification: Pathogenic. Last evaluated: 2025-02-06. Review status: criteria provided, single submitter. Criteria: Invitae Variant Classification Sherloc (09022015). Collection method: clinical testing. Allele origin: germline.
Comment: This sequence change replaces lysine, which is basic and polar, with glutamine, which is neutral and polar, at codon 92 of the IHH protein (p.Lys92Gln). This variant is not present in population databases (gnomAD no frequency). This missense change has been observed in individual(s) with clinical features of IHH-related conditions (internal data). In at least one individual the variant was observed to be de novo. Invitae Evidence Modeling of protein sequence and biophysical properties (such as structural, functional, and spatial information, amino acid conservation, physicochemical variation, residue mobility, and thermodynamic stability) indicates that this missense variant is expected to disrupt IHH protein function with a positive predictive value of 80%. For these reasons, this variant has been classified as Pathogenic.

NM_002181.4(IHH):c.274A>C (p.Lys92Gln)

Gene: IHH (Indian hedgehog signaling molecule; minus strand). Cytogenetic location: 2q35.
Variant type: single nucleotide variant.
Coding change: c.274A>C on transcript NM_002181.4 (MANE Select); coding-DNA position 274, A replaced by C.
Protein change: p.Lys92Gln; replaces lysine 92 with glutamine.
Molecular consequence: missense variant.
Genome position (GRCh38, 1-based): chr2:219,060,194, T>G on the plus strand (A>C on the coding strand, the complement: IHH is on the minus strand). VCF-style: chr2-219060194-T-G. GRCh37 (hg19) VCF-style: chr2-219924916-T-G.
Other names: short protein forms K92Q.
Identifiers: ClinVar variation 3712114 (VCV003712114.4).